The following is an entry in ClinVar:

NM_001365999.1(SZT2):c.8212C>G (p.Pro2738Ala)

Gene: SZT2 (SZT2 subunit of KICSTOR complex; plus strand). Cytogenetic location: 1p34.2.
Variant type: single nucleotide variant.
Coding change: c.8212C>G on transcript NM_001365999.1 (MANE Select); coding-DNA position 8212, C replaced by G.
Protein change: p.Pro2738Ala; replaces proline 2738 with alanine.
Molecular consequence: missense variant.
Genome position (GRCh38, 1-based): chr1:43,442,879, C>G. VCF-style: chr1-43442879-C-G. GRCh37 (hg19) VCF-style: chr1-43908550-C-G.
Other names: c.8041C>G, p.Pro2681Ala (NM_015284.4); short protein forms P2681A, P2738A.
Identifiers: ClinVar variation 1349145 (VCV001349145.3), dbSNP rs749217751, ClinGen allele CA810483.

ClinVar aggregate classification (germline): Uncertain significance (1 of 4 stars; one submission).

gnomAD v4.1: 20 of 1,613,522 alleles (0.0012%); highest among the groups gnomAD compares: African/African-American, 0.008%; no homozygotes.

Submission:

Labcorp Genetics (formerly Invitae), Labcorp
Classification: Uncertain significance. Last evaluated: 2021-09-23. Review status: criteria provided, single submitter. Criteria: Invitae Variant Classification Sherloc (09022015). Collection method: clinical testing. Allele origin: germline.
Comment: This sequence change replaces proline with alanine at codon 2681 of the SZT2 protein (p.Pro2681Ala). The proline residue is highly conserved and there is a small physicochemical difference between proline and alanine. This variant is present in population databases (rs749217751, ExAC 0.003%). This variant has not been reported in the literature in individuals affected with SZT2-related conditions. Algorithms developed to predict the effect of missense changes on protein structure and function (SIFT, PolyPhen-2, Align-GVGD) all suggest that this variant is likely to be disruptive. In summary, the available evidence is currently insufficient to determine the role of this variant in disease. Therefore, it has been classified as a Variant of Uncertain Significance.